The following is an entry in ClinVar:

NM_005045.4(RELN):c.224A>G (p.His75Arg)

Gene: RELN (reelin; minus strand). Cytogenetic location: 7q22.1.
Variant type: single nucleotide variant.
Coding change: c.224A>G on transcript NM_005045.4 (MANE Select); coding-DNA position 224, A replaced by G.
Protein change: p.His75Arg; replaces histidine 75 with arginine.
Molecular consequence: missense variant.
Genome position (GRCh38, 1-based): chr7:103,989,133, T>C on the plus strand (A>G on the coding strand, the complement: RELN is on the minus strand). VCF-style: chr7-103989133-T-C. GRCh37 (hg19) VCF-style: chr7-103629580-T-C.
Other names: c.224A>G, p.His75Arg (NM_173054.3); short protein forms H75R.
Identifiers: ClinVar variation 854560 (VCV000854560.8), dbSNP rs770570216, ClinGen allele CA4422693.

ClinVar aggregate classification (germline): Uncertain significance (1 of 4 stars; one submission).

Conditions:
Familial temporal lobe epilepsy 7. Identifiers: Orphanet 101046, MedGen C4225327, MONDO:0014639, OMIM 616436.
Norman-Roberts syndrome (LIS2). Also called: Lissencephaly 2 (Norman-Roberts type). Identifiers: Orphanet 89844, MedGen C0796089, MONDO:0009760, OMIM 257320.

Allele frequency attached by ClinVar (database versions not stated): ExAC 0.00002.
gnomAD v4.1: 8 of 1,612,906 alleles (0.0005%); highest among the groups gnomAD compares: Admixed American, 0.0067%; no homozygotes.

Submission:

Labcorp Genetics (formerly Invitae), Labcorp
Classification: Uncertain significance for Familial temporal lobe epilepsy 7; Norman-Roberts syndrome. Last evaluated: 2022-11-08. Review status: criteria provided, single submitter. Criteria: Invitae Variant Classification Sherloc (09022015). Collection method: clinical testing. Allele origin: germline.
Comment: Algorithms developed to predict the effect of missense changes on protein structure and function are either unavailable or do not agree on the potential impact of this missense change (SIFT: "Deleterious"; PolyPhen-2: "Benign"; Align-GVGD: "Class C0"). This sequence change replaces histidine, which is basic and polar, with arginine, which is basic and polar, at codon 75 of the RELN protein (p.His75Arg). This variant is present in population databases (rs770570216, gnomAD 0.01%). This variant has not been reported in the literature in individuals affected with RELN-related conditions. ClinVar contains an entry for this variant (Variation ID: 854560). In summary, the available evidence is currently insufficient to determine the role of this variant in disease. Therefore, it has been classified as a Variant of Uncertain Significance.